The following is an entry in ClinVar:

ClinVar aggregate classification (germline): Likely benign. Review status: criteria provided, multiple submitters, no conflicts (2 of 4 stars). 2 submissions from 2 submitters: Likely benign (2). Last evaluated 2025-01-29.

Conditions:
Lynch syndrome 4 (LYNCH4). Also called: Hereditary non-polyposis colorectal cancer, type 4; Colorectal cancer, hereditary nonpolyposis, type 4. Identifiers: Orphanet 144, MedGen C1838333, MONDO:0013699, OMIM 614337. Disease mechanism: loss of function.
Hereditary nonpolyposis colorectal neoplasms. Identifiers: MedGen C0009405, MeSH D003123.

Allele frequency attached by ClinVar (database versions not stated): gnomAD exomes below 0.00001; TOPMed below 0.00001; gnomAD 0.00001.
gnomAD v4.1: 2 of 1,499,548 alleles (0.00013%); highest among the groups gnomAD compares: East Asian, 0.0046%; no homozygotes.

Submissions (2):

Myriad Genetics, Inc.
Classification: Likely benign for Lynch syndrome 4. Last evaluated: 2025-01-29. Review status: criteria provided, single submitter. Criteria: Myriad Autosomal Dominant, Autosomal Recessive and X-Linked Classification Criteria (2023). Collection method: clinical testing. Allele origin: unknown.
Comment: This variant is considered likely benign. This variant is intronic and is not expected to impact mRNA splicing.

Labcorp Genetics (formerly Invitae), Labcorp
Classification: Likely benign for Hereditary nonpolyposis colorectal neoplasms. Last evaluated: 2023-09-29. Review status: criteria provided, single submitter. Criteria: Invitae Variant Classification Sherloc (09022015). Collection method: clinical testing. Allele origin: germline.

NM_000535.7(PMS2):c.989-18T>C

Gene: PMS2 (PMS1 homolog 2, mismatch repair system component; minus strand). Cytogenetic location: 7p22.1.
Variant type: single nucleotide variant.
Coding change: c.989-18T>C on transcript NM_000535.7 (MANE Select); 18 bases into the intron before coding-DNA position 989, T replaced by C.
Molecular consequence: intron variant.
Genome position (GRCh38, 1-based): chr7:5,989,973, A>G on the plus strand (T>C on the coding strand, the complement: PMS2 is on the minus strand). VCF-style: chr7-5989973-A-G. GRCh37 (hg19) VCF-style: chr7-6029604-A-G.
Other names: c.989-18T>C (NM_001406872.1, NM_001406871.1, NM_001322014.2); c.680-18T>C (NM_001406878.1, NM_001406882.1, NM_001406875.1 and 5 more transcripts); c.1013-18T>C (NM_001406868.1); c.584-18T>C (NM_001406891.1, NM_001406899.1, NM_001406893.1 and 16 more transcripts); c.1175-18T>C (NM_001406866.1); c.671-18T>C (NM_001322008.2, NM_001406903.1, NM_001322007.2 and 2 more transcripts); c.670+2000T>C (NM_001406901.1, NM_001406902.1); c.679+2000T>C (NM_001406900.1); and 13 more.
Identifiers: ClinVar variation 2916311 (VCV002916311.4), dbSNP rs1454421233, ClinGen allele CA572822676.